The following is an entry in ClinVar:

ClinVar aggregate classification (germline): Uncertain significance (1 of 4 stars; one submission).

Conditions:
Creatine transporter deficiency (CCDS1). Also called: Creatine Transporter (CRTR) Deficiency; Mental retardation , X-linked with seizures, short stature and midface hypoplasia; Mental retardation , X-linked, with creatine transport deficiency; X-linked creatine transporter deficiency; X-linked creatine deficiency syndrome; SLC6A8-Related Creatine Transporter Deficiency. Identifiers: Orphanet 52503, MedGen C1845862, MONDO:0010305, OMIM 300352.

Submission:

Labcorp Genetics (formerly Invitae), Labcorp
Classification: Uncertain significance for Creatine transporter deficiency. Last evaluated: 2023-10-08. Review status: criteria provided, single submitter. Criteria: Invitae Variant Classification Sherloc (09022015). Collection method: clinical testing. Allele origin: germline.
Comment: This sequence change replaces valine, which is neutral and non-polar, with isoleucine, which is neutral and non-polar, at codon 420 of the SLC6A8 protein (p.Val420Ile). This variant is not present in population databases (gnomAD no frequency). This variant has not been reported in the literature in individuals affected with SLC6A8-related conditions. ClinVar contains an entry for this variant (Variation ID: 568799). Advanced modeling of protein sequence and biophysical properties (such as structural, functional, and spatial information, amino acid conservation, physicochemical variation, residue mobility, and thermodynamic stability) has been performed at Invitae for this missense variant, however the output from this modeling did not meet the statistical confidence thresholds required to predict the impact of this variant on SLC6A8 protein function. In summary, the available evidence is currently insufficient to determine the role of this variant in disease. Therefore, it has been classified as a Variant of Uncertain Significance.

NM_005629.4(SLC6A8):c.1258G>A (p.Val420Ile)

Gene: SLC6A8 (solute carrier family 6 member 8; plus strand). Cytogenetic location: Xq28.
Variant type: single nucleotide variant.
Coding change: c.1258G>A on transcript NM_005629.4 (MANE Select); coding-DNA position 1258, G replaced by A.
Protein change: p.Val420Ile; replaces valine 420 with isoleucine.
Molecular consequence: missense variant.
Genome position (GRCh38, 1-based): chrX:153,694,133, G>A. VCF-style: chrX-153694133-G-A. GRCh37 (hg19) VCF-style: chrX-152959588-G-A.
Other names: c.1228G>A, p.Val410Ile (NM_001142805.2); c.913G>A, p.Val305Ile (NM_001142806.1); short protein forms V420I, V305I, V410I.
Identifiers: ClinVar variation 568799 (VCV000568799.8), dbSNP rs1569539415, ClinGen allele CA415086667.